The following is an entry in ClinVar:

NM_015910.7(WDPCP):c.1056G>C (p.Leu352=)

Gene: WDPCP (WD repeat containing planar cell polarity effector; minus strand). Cytogenetic location: 2p15.
Variant type: single nucleotide variant.
Coding change: c.1056G>C on transcript NM_015910.7 (MANE Select); coding-DNA position 1056, G replaced by C.
Protein change: p.Leu352=; no amino-acid change (leucine 352 retained).
Molecular consequence: synonymous variant. On other transcripts: non-coding transcript variant (3).
Genome position (GRCh38, 1-based): chr2:63,404,427, C>G on the plus strand (G>C on the coding strand, the complement: WDPCP is on the minus strand). VCF-style: chr2-63404427-C-G. GRCh37 (hg19) VCF-style: chr2-63631562-C-G.
Other names: c.579G>C, p.Leu193= (NM_001042692.3); c.984G>C, p.Leu328= (NM_001354044.2); c.1056G>C, p.Leu352= (NM_001354045.2).
Identifiers: ClinVar variation 3357152 (VCV003357152.1).

ClinVar aggregate classification (germline): Likely benign (0 of 4 stars; one submission).

Conditions:
WDPCP-related disorder. Also called: WDPCP-related condition.

gnomAD v4.1: 1 of 1,614,086 alleles (0.000062%); highest among the groups gnomAD compares: Non-Finnish European, 0.000085%; no homozygotes.

Submission:

PreventionGenetics, part of Exact Sciences
Classification: Likely benign for WDPCP-related condition. Last evaluated: 2021-07-21. Review status: no assertion criteria provided. Collection method: clinical testing. Allele origin: germline.
Comment: This variant is classified as likely benign based on ACMG/AMP sequence variant interpretation guidelines (Richards et al. 2015 PMID: 25741868, with internal and published modifications).